The following is an entry in ClinVar:

NM_001276345.2(TNNT2):c.295-13G>A

Gene: TNNT2 (troponin T2, cardiac type; minus strand). Cytogenetic location: 1q32.1.
Variant type: single nucleotide variant.
Coding change: c.295-13G>A on transcript NM_001276345.2 (MANE Select); 13 bases into the intron before coding-DNA position 295, G replaced by A.
Molecular consequence: intron variant.
Genome position (GRCh38, 1-based): chr1:201,365,320, C>T on the plus strand (G>A on the coding strand, the complement: TNNT2 is on the minus strand). VCF-style: chr1-201365320-C-T. GRCh37 (hg19) VCF-style: chr1-201334448-C-T.
Other names: c.250-13G>A (NM_001001432.3); c.265-13G>A (NM_001001431.3, NM_001001430.3, NM_001276347.2); c.291+290G>A (NM_001276346.2); c.295-13G>A (NM_000364.4).
Identifiers: ClinVar variation 1312853 (VCV001312853.15), dbSNP rs764804961, ClinGen allele CA088967.

ClinVar aggregate classification (germline): Conflicting classifications of pathogenicity. Review status: criteria provided, conflicting classifications (1 of 4 stars). 5 submissions from 5 submitters: Uncertain significance (4); Likely benign (1). Last evaluated 2024-12-08.

Conditions:
Cardiomyopathy (CMYO). Also called: Cardiomyopathies. Identifiers: Orphanet 167848, MedGen C0878544, MONDO:0004994, HP:0001638. Inheritance: Various modes of inheritance.
Dilated cardiomyopathy 1D. Identifiers: Orphanet 154, Orphanet 54260, MedGen C1832243, MONDO:0011095, OMIM 601494.
Cardiomyopathy, familial restrictive, 3. Identifiers: Orphanet 75249, MedGen C2676271, MONDO:0012900, OMIM 612422.
Hypertrophic cardiomyopathy 2. Also called: TNNT2-Related Familial Hypertrophic Cardiomyopathy. Identifiers: MedGen C1861864, MONDO:0007266, OMIM 115195.

Allele frequency attached by ClinVar (database versions not stated): gnomAD exomes 0.00002; TOPMed 0.00002; ExAC 0.00003.
gnomAD v4.1: 25 of 1,608,232 alleles (0.0016%); highest among the groups gnomAD compares: Middle Eastern, 0.033%; no homozygotes.

Submissions (5):

Labcorp Genetics (formerly Invitae), Labcorp
Classification: Likely benign for Cardiomyopathy, familial restrictive, 3; Hypertrophic cardiomyopathy 2; Dilated cardiomyopathy 1D. Last evaluated: 2024-12-08. Review status: criteria provided, single submitter. Criteria: Invitae Variant Classification Sherloc (09022015). Collection method: clinical testing. Allele origin: germline.

All of Us Research Program, National Institutes of Health
Classification: Uncertain significance for Cardiomyopathy. Last evaluated: 2024-07-29. Review status: criteria provided, single submitter. Criteria: ACMG Guidelines, 2015. Collection method: clinical testing. Allele origin: germline. Inheritance: Autosomal dominant inheritance. Observed: 7 variant alleles, 7 heterozygotes.
Comment: This variant causes a G to A nucleotide substitution at the -13 position of intron 8 of the TNNT2 gene. Splice prediction tools are inconclusive regarding the impact of this variant on RNA splicing. To our knowledge, functional studies have not been reported for this variant. This variant has not been reported in individuals affected with cardiovascular disorders in the literature. This variant has been identified in 6/282672 chromosomes in the general population by the Genome Aggregation Database (gnomAD). The available evidence is insufficient to determine the role of this variant in disease conclusively. Therefore, this variant is classified as a Variant of Uncertain Significance.

This study involves interpretation of variants in research participants for the purpose of population health screening. Participant phenotype was not available at the time of variant classification. Additional details can be found in publication PMID: 35346344, PMCID: PMC8962531

Color Diagnostics, LLC DBA Color Health
Classification: Uncertain significance for Cardiomyopathy. Last evaluated: 2024-01-02. Review status: criteria provided, single submitter. Criteria: ACMG Guidelines, 2015. Collection method: clinical testing. Allele origin: germline.
Comment: This variant causes a G to A nucleotide substitution at the -13 position of intron 8 of the TNNT2 gene. Splice prediction tools are inconclusive regarding the impact of this variant on RNA splicing. To our knowledge, functional studies have not been reported for this variant. This variant has not been reported in individuals affected with TNNT2-related disorders in the literature. This variant has been identified in 6/282672 chromosomes in the general population by the Genome Aggregation Database (gnomAD). The available evidence is insufficient to determine the role of this variant in disease conclusively. Therefore, this variant is classified as a Variant of Uncertain Significance.

GeneDx
Classification: Uncertain significance. Last evaluated: 2023-10-06. Review status: criteria provided, single submitter. Criteria: GeneDx Variant Classification Process June 2021. Collection method: clinical testing. Allele origin: germline. Affected: yes.
Comment: Has not been previously published as pathogenic or benign to our knowledge; Not observed at significant frequency in large population cohorts (gnomAD); In silico analysis is inconclusive as to whether the variant alters gene splicing. In the absence of RNA/functional studies, the actual effect of this sequence change is unknown.

Blueprint Genetics
Classification: Uncertain significance. Last evaluated: 2017-06-09. Review status: criteria provided, single submitter. Criteria: ACMG Guidelines, 2015. Collection method: clinical testing. Allele origin: germline.